The following is an entry in ClinVar:

ClinVar aggregate classification (germline): Likely benign. Review status: criteria provided, multiple submitters, no conflicts (2 of 4 stars). 3 submissions from 3 submitters: Likely benign (3). Last evaluated 2025-04-22.

Conditions:
Hereditary cancer-predisposing syndrome. Also called: Hereditary neoplastic syndrome; Neoplastic Syndromes, Hereditary; Tumor predisposition; Hereditary Cancer Syndrome. Identifiers: Orphanet 140162, MedGen C0027672, MeSH D009386, MONDO:0015356.

Submissions (3):

Labcorp Genetics (formerly Invitae), Labcorp
Classification: Likely benign. Last evaluated: 2025-04-22. Review status: criteria provided, single submitter. Criteria: Invitae Variant Classification Sherloc (09022015). Collection method: clinical testing. Allele origin: germline.

CeGaT Center for Human Genetics Tuebingen
Classification: Likely benign. Last evaluated: 2024-04-01. Review status: criteria provided, single submitter. Criteria: CeGaT Center For Human Genetics Tuebingen Variant Classification Criteria Version 2. Collection method: clinical testing. Allele origin: germline. Affected: yes. Observed: 1 variant allele.
Comment: NTHL1: PM2:Supporting, BP4, BP7

Ambry Genetics
Classification: Likely benign for Hereditary cancer-predisposing syndrome. Last evaluated: 2021-04-27. Review status: criteria provided, single submitter. Criteria: Ambry Variant Classification Scheme 2023. Collection method: clinical testing. Allele origin: germline.

NM_002528.7(NTHL1):c.213T>C (p.Ala71=)

Gene: NTHL1 (nth like DNA glycosylase 1; minus strand). Cytogenetic location: 16p13.3.
Variant type: single nucleotide variant.
Coding change: c.213T>C on transcript NM_002528.7 (MANE Select); coding-DNA position 213, T replaced by C.
Protein change: p.Ala71=; no amino-acid change (alanine 71 retained).
Molecular consequence: synonymous variant. On other transcripts: intron variant (1).
Genome position (GRCh38, 1-based): chr16:2,046,269, A>G on the plus strand (T>C on the coding strand, the complement: NTHL1 is on the minus strand). VCF-style: chr16-2046269-A-G. GRCh37 (hg19) VCF-style: chr16-2096270-A-G.
Other names: c.213T>C, p.Ala71= (NM_001318193.2); c.24+11T>C (NM_001318194.2).
Identifiers: ClinVar variation 1790427 (VCV001790427.27), dbSNP rs2150946617, ClinGen allele CA492953343.
Genomic context (GRCh38, chr16:2,046,269, plus strand): 5'-GATGTTGACCAGCTGTTGCTGCCAGTCCTGGGGCTCCCAGACTGGCACCTTGAGGGGCTC[A>G]GCCCCCTCACCTTTCTCACTGTCCGAGCCCTCATAGGCCACACGCAGTCTCTGTGCTTTC-3'
Protein context (NP_002519.2, residues 61-81): EGSDSEKGEG[Ala71=]EPLKVPVWEP